The following is an entry in ClinVar:

ClinVar aggregate classification (germline): Uncertain significance (1 of 4 stars; one submission).

Submission:

Labcorp Genetics (formerly Invitae), Labcorp
Classification: Uncertain significance. Last evaluated: 2021-12-23. Review status: criteria provided, single submitter. Criteria: Invitae Variant Classification Sherloc (09022015). Collection method: clinical testing. Allele origin: germline.
Comment: In summary, the available evidence is currently insufficient to determine the role of this variant in disease. Therefore, it has been classified as a Variant of Uncertain Significance. Algorithms developed to predict the effect of missense changes on protein structure and function are either unavailable or do not agree on the potential impact of this missense change (SIFT: "Deleterious"; PolyPhen-2: "Benign"; Align-GVGD: "Class C0"). This variant has not been reported in the literature in individuals affected with GPR179-related conditions. This variant is not present in population databases (gnomAD no frequency). This sequence change replaces valine, which is neutral and non-polar, with alanine, which is neutral and non-polar, at codon 183 of the GPR179 protein (p.Val183Ala).

NM_001004334.4(GPR179):c.548T>C (p.Val183Ala)

Gene: GPR179 (G protein-coupled receptor 179; minus strand). Cytogenetic location: 17q12.
Variant type: single nucleotide variant.
Coding change: c.548T>C on transcript NM_001004334.4 (MANE Select); coding-DNA position 548, T replaced by C.
Protein change: p.Val183Ala; replaces valine 183 with alanine.
Molecular consequence: missense variant.
Genome position (GRCh38, 1-based): chr17:38,343,242, A>G on the plus strand (T>C on the coding strand, the complement: GPR179 is on the minus strand). VCF-style: chr17-38343242-A-G. GRCh37 (hg19) VCF-style: chr17-36499125-A-G.
Other names: short protein forms V183A.
Identifiers: ClinVar variation 2054764 (VCV002054764.4), dbSNP rs2512175798, ClinGen allele CA398888993.